The following is an entry in ClinVar:

ClinVar aggregate classification (germline): Benign/Likely benign. Review status: criteria provided, multiple submitters, no conflicts (2 of 4 stars). 3 submissions from 3 submitters: Benign (1); Likely benign (2). Last evaluated 2026-06-16.

Conditions:
Hereditary cancer-predisposing syndrome. Also called: Neoplastic Syndromes, Hereditary; Hereditary Cancer Syndrome; Hereditary neoplastic syndrome; Tumor predisposition. Identifiers: Orphanet 140162, MedGen C0027672, MeSH D009386, MONDO:0015356.
Gastrointestinal stromal tumor. Also called: Gastrointestinal stromal tumor, somatic; Gastrointestinal stroma tumor. Identifiers: Orphanet 44890, MedGen C0238198, MeSH D046152, MONDO:0011719, OMIM 606764, HP:0100723.
Polyps, multiple and recurrent inflammatory fibroid, gastrointestinal. Identifiers: MedGen C5193005, MONDO:0008285, OMIM 175510.

gnomAD v4.1: 4 of 1,614,180 alleles (0.00025%); highest among the groups gnomAD compares: Non-Finnish European, 0.00034%; no homozygotes.

Submissions (3):

Myriad Genetics, Inc.
Classification: Benign for Polyps, multiple and recurrent inflammatory fibroid, gastrointestinal. Last evaluated: 2026-06-16. Review status: criteria provided, single submitter. Criteria: Myriad Autosomal Dominant, Autosomal Recessive and X-Linked Classification Criteria (2023). Collection method: clinical testing. Allele origin: unknown.
Comment: This variant is considered benign. This variant is a silent/synonymous amino acid change and it is not expected to impact splicing.

Labcorp Genetics (formerly Invitae), Labcorp
Classification: Likely benign for Gastrointestinal stromal tumor. Last evaluated: 2024-09-09. Review status: criteria provided, single submitter. Criteria: Invitae Variant Classification Sherloc (09022015). Collection method: clinical testing. Allele origin: germline.

Ambry Genetics
Classification: Likely benign for Hereditary cancer-predisposing syndrome. Last evaluated: 2020-09-21. Review status: criteria provided, single submitter. Criteria: Ambry Variant Classification Scheme 2023. Collection method: clinical testing. Allele origin: germline.

NM_006206.6(PDGFRA):c.114T>C (p.Val38=)

Gene: PDGFRA (platelet derived growth factor receptor alpha; plus strand). Cytogenetic location: 4q12.
Variant type: single nucleotide variant.
Coding change: c.114T>C on transcript NM_006206.6 (MANE Select); coding-DNA position 114, T replaced by C.
Protein change: p.Val38=; no amino-acid change (valine 38 retained).
Molecular consequence: synonymous variant.
Genome position (GRCh38, 1-based): chr4:54,261,159, T>C. VCF-style: chr4-54261159-T-C. GRCh37 (hg19) VCF-style: chr4-55127326-T-C.
Other names: c.114T>C, p.Val38= (NM_001347827.2, NM_001347829.2); c.189T>C, p.Val63= (NM_001347828.2); c.153T>C, p.Val51= (NM_001347830.2).
Identifiers: ClinVar variation 703785 (VCV000703785.14), dbSNP rs774990928, ClinGen allele CA2922233.